The following is an entry in ClinVar:

NM_033026.6(PCLO):c.13213A>G (p.Met4405Val)

Gene: PCLO (piccolo presynaptic cytomatrix protein; minus strand). Cytogenetic location: 7q21.11.
Variant type: single nucleotide variant.
Coding change: c.13213A>G on transcript NM_033026.6 (MANE Select); coding-DNA position 13213, A replaced by G.
Protein change: p.Met4405Val; replaces methionine 4405 with valine.
Molecular consequence: missense variant.
Genome position (GRCh38, 1-based): chr7:82,914,773, T>C on the plus strand (A>G on the coding strand, the complement: PCLO is on the minus strand). VCF-style: chr7-82914773-T-C. GRCh37 (hg19) VCF-style: chr7-82544089-T-C.
Other names: c.13213A>G, p.Met4405Val (NM_014510.3); short protein forms M4405V.
Identifiers: ClinVar variation 1908112 (VCV001908112.4), dbSNP rs369948057, ClinGen allele CA4319251.

ClinVar aggregate classification (germline): Uncertain significance (1 of 4 stars; one submission).

Allele frequency attached by ClinVar (database versions not stated): gnomAD 0.00001; TOPMed 0.00001; ExAC 0.00002; ESP Exome Variant Server 0.00008.
gnomAD v4.1: 9 of 1,613,308 alleles (0.00056%); highest among the groups gnomAD compares: East Asian, 0.0067%; no homozygotes.

Submission:

Labcorp Genetics (formerly Invitae), Labcorp
Classification: Uncertain significance. Last evaluated: 2022-07-17. Review status: criteria provided, single submitter. Criteria: Invitae Variant Classification Sherloc (09022015). Collection method: clinical testing. Allele origin: germline.
Comment: This sequence change replaces methionine, which is neutral and non-polar, with valine, which is neutral and non-polar, at codon 4405 of the PCLO protein (p.Met4405Val). This variant is present in population databases (rs369948057, gnomAD 0.002%). This variant has not been reported in the literature in individuals affected with PCLO-related conditions. Algorithms developed to predict the effect of missense changes on protein structure and function are either unavailable or do not agree on the potential impact of this missense change (SIFT: "Deleterious"; PolyPhen-2: "Not Available"; Align-GVGD: "Class C0"). In summary, the available evidence is currently insufficient to determine the role of this variant in disease. Therefore, it has been classified as a Variant of Uncertain Significance.